The following is an entry in ClinVar:

NM_004172.5(SLC1A3):c.169G>A (p.Ala57Thr)

Gene: SLC1A3 (solute carrier family 1 member 3; plus strand). Cytogenetic location: 5p13.2.
Variant type: single nucleotide variant.
Coding change: c.169G>A on transcript NM_004172.5 (MANE Select); coding-DNA position 169, G replaced by A.
Protein change: p.Ala57Thr; replaces alanine 57 with threonine.
Molecular consequence: missense variant. On other transcripts: 5 prime UTR variant (3).
Genome position (GRCh38, 1-based): chr5:36,608,592, G>A. VCF-style: chr5-36608592-G-A. GRCh37 (hg19) VCF-style: chr5-36608694-G-A.
Other names: c.169G>A, p.Ala57Thr (NM_001166695.3, NM_001166696.3, NM_001289939.2 and 7 more transcripts); c.-302G>A (NM_001438460.1, NM_001438461.1); c.-255G>A (NM_001438462.1); short protein forms A57T.
Identifiers: ClinVar variation 4682213 (VCV004682213.1).

ClinVar aggregate classification (germline): Uncertain significance (1 of 4 stars; one submission).

gnomAD v4.1: 93 of 1,612,962 alleles (0.0058%); highest among the groups gnomAD compares: Non-Finnish European, 0.0069%; no homozygotes.

Submission:

Athena Diagnostics
Classification: Uncertain significance. Last evaluated: 2025-08-13. Review status: criteria provided, single submitter. Criteria: Athena Diagnostics Criteria. Collection method: clinical testing. Allele origin: unknown.
Comment: Available data are insufficient to determine the clinical significance of the variant at this time. The frequency of this variant in the general population is higher than would generally be expected for pathogenic variants in this gene. Polyphen and MutationTaster predict this amino acid change may be damaging to the protein.